The following is an entry in ClinVar:

NM_005732.4(RAD50):c.506G>A (p.Gly169Glu)

Gene: RAD50 (RAD50 double strand break repair protein; plus strand). Cytogenetic location: 5q31.1.
Variant type: single nucleotide variant.
Coding change: c.506G>A on transcript NM_005732.4 (MANE Select); coding-DNA position 506, G replaced by A.
Protein change: p.Gly169Glu; replaces glycine 169 with glutamic acid.
Molecular consequence: missense variant.
Genome position (GRCh38, 1-based): chr5:132,579,457, G>A. VCF-style: chr5-132579457-G-A. GRCh37 (hg19) VCF-style: chr5-131915149-G-A.
Other names: short protein forms G169E.
Identifiers: ClinVar variation 566705 (VCV000566705.14), dbSNP rs1561635954, ClinGen allele CA360934741.

ClinVar aggregate classification (germline): Uncertain significance. Review status: criteria provided, multiple submitters, no conflicts (2 of 4 stars). 2 submissions from 2 submitters: Uncertain significance (2). Last evaluated 2024-05-24.

Conditions:
Hereditary cancer-predisposing syndrome. Also called: Neoplastic Syndromes, Hereditary; Tumor predisposition; Hereditary neoplastic syndrome; Hereditary Cancer Syndrome. Identifiers: Orphanet 140162, MedGen C0027672, MeSH D009386, MONDO:0015356.

Submissions (2):

Ambry Genetics
Classification: Uncertain significance for Hereditary cancer-predisposing syndrome. Last evaluated: 2024-05-24. Review status: criteria provided, single submitter. Criteria: Ambry Variant Classification Scheme 2023. Collection method: clinical testing. Allele origin: germline.
Comment: The p.G169E variant (also known as c.506G>A), located in coding exon 4 of the RAD50 gene, results from a G to A substitution at nucleotide position 506. The glycine at codon 169 is replaced by glutamic acid, an amino acid with similar properties. This amino acid position is highly conserved in available vertebrate species. In addition, this alteration is predicted to be tolerated by in silico analysis. Since supporting evidence is limited at this time, the clinical significance of this alteration remains unclear.

Labcorp Genetics (formerly Invitae), Labcorp
Classification: Uncertain significance for Hereditary cancer-predisposing syndrome. Last evaluated: 2022-07-22. Review status: criteria provided, single submitter. Criteria: Invitae Variant Classification Sherloc (09022015). Collection method: clinical testing. Allele origin: germline.
Comment: This sequence change replaces glycine, which is neutral and non-polar, with glutamic acid, which is acidic and polar, at codon 169 of the RAD50 protein (p.Gly169Glu). In summary, the available evidence is currently insufficient to determine the role of this variant in disease. Therefore, it has been classified as a Variant of Uncertain Significance. Algorithms developed to predict the effect of missense changes on protein structure and function are either unavailable or do not agree on the potential impact of this missense change (SIFT: "Tolerated"; PolyPhen-2: "Probably Damaging"; Align-GVGD: "Class C15"). ClinVar contains an entry for this variant (Variation ID: 566705). This variant has not been reported in the literature in individuals affected with RAD50-related conditions. This variant is not present in population databases (gnomAD no frequency).